The following is an entry in ClinVar:

ClinVar aggregate classification (germline): Uncertain significance (1 of 4 stars; one submission).

Conditions:
Rhabdoid tumor predisposition syndrome 2 (RTPS2). Identifiers: Orphanet 231108, Orphanet 69077, MedGen C2750074, MONDO:0013224, OMIM 613325.

gnomAD v4.1: 1 of 1,577,550 alleles (0.000063%); highest among the groups gnomAD compares: African/African-American, 0.0013%; no homozygotes.

Submission:

Labcorp Genetics (formerly Invitae), Labcorp
Classification: Uncertain significance for Rhabdoid tumor predisposition syndrome 2. Last evaluated: 2022-09-25. Review status: criteria provided, single submitter. Criteria: Invitae Variant Classification Sherloc (09022015). Collection method: clinical testing. Allele origin: germline.
Comment: This sequence change replaces proline, which is neutral and non-polar, with threonine, which is neutral and polar, at codon 197 of the SMARCA4 protein (p.Pro197Thr). This variant is present in population databases (no rsID available, gnomAD 0.01%). This variant has not been reported in the literature in individuals affected with SMARCA4-related conditions. Algorithms developed to predict the effect of missense changes on protein structure and function (SIFT, PolyPhen-2, Align-GVGD) all suggest that this variant is likely to be disruptive. In summary, the available evidence is currently insufficient to determine the role of this variant in disease. Therefore, it has been classified as a Variant of Uncertain Significance.

NM_003072.5(SMARCA4):c.589C>A (p.Pro197Thr)

Gene: SMARCA4 (SWI/SNF related BAF chromatin remodeling complex subunit ATPase 4; plus strand). Cytogenetic location: 19p13.2.
Variant type: single nucleotide variant.
Coding change: c.589C>A on transcript NM_003072.5 (MANE Select); coding-DNA position 589, C replaced by A.
Protein change: p.Pro197Thr; replaces proline 197 with threonine.
Molecular consequence: missense variant. On other transcripts: non-coding transcript variant (1).
Genome position (GRCh38, 1-based): chr19:10,986,422, C>A. VCF-style: chr19-10986422-C-A. GRCh37 (hg19) VCF-style: chr19-11097098-C-A.
Other names: c.589C>A, p.Pro197Thr (NM_001128844.3, NM_001128845.2, NM_001128846.2 and 6 more transcripts); short protein forms P197T.
Identifiers: ClinVar variation 1720336 (VCV001720336.5), dbSNP rs200664441, ClinGen allele CA404056482.